The following is an entry in ClinVar:

NM_020738.4(KIDINS220):c.4759G>C (p.Gly1587Arg)

Gene: KIDINS220 (kinase D interacting substrate 220; minus strand). Cytogenetic location: 2p25.1.
Variant type: single nucleotide variant.
Coding change: c.4759G>C on transcript NM_020738.4 (MANE Select); coding-DNA position 4759, G replaced by C.
Protein change: p.Gly1587Arg; replaces glycine 1587 with arginine.
Molecular consequence: missense variant. On other transcripts: intron variant (6).
Genome position (GRCh38, 1-based): chr2:8,731,277, C>G on the plus strand (G>C on the coding strand, the complement: KIDINS220 is on the minus strand). VCF-style: chr2-8731277-C-G. GRCh37 (hg19) VCF-style: chr2-8871407-C-G.
Other names: c.4759G>C (NM_020738.2); c.4762G>C, p.Gly1588Arg (NM_001348729.2); c.4705G>C, p.Gly1569Arg (NM_001348731.2); c.4702G>C, p.Gly1568Arg (NM_001348732.2); c.4591G>C, p.Gly1531Arg (NM_001348734.2); c.4588G>C, p.Gly1530Arg (NM_001348735.2); c.4462G>C, p.Gly1488Arg (NM_001348736.2); c.3882+2167G>C (NM_001348741.2, NM_001348742.2, NM_001348743.2); and 2 more; short protein forms G1531R, G1587R, G1488R, G1530R, G1568R, G1588R, G1569R.
Identifiers: ClinVar variation 1945169 (VCV001945169.6), dbSNP rs750646311, ClinGen allele CA1519312.
Genomic context (GRCh38, chr2:8,731,277, plus strand): 5'-AGTCATCCGCCACTTCATTGTGCAGAGAGTGATTGGGAGAACTTTCACTGGATCTCACTC[C>G]TGAATCCGATGAATCCTTTTTGTCAAGGAGCGCATCCGATAAATACTCTTTGGCTTTAAT-3'
Protein context (NP_065789.1, residues 1577-1597): LLDKKDSSDS[Gly1587Arg]VRSSESSPNH

ClinVar aggregate classification (germline): Uncertain significance. Review status: criteria provided, single submitter (1 of 4 stars). 2 submissions from 2 submitters: Uncertain significance (1). 1 of the submissions does not count toward it. Last evaluated 2022-11-15.

Conditions:
KIDINS220-related disorder. Also called: KIDINS220-related condition.

Allele frequency attached by ClinVar (database versions not stated): ExAC 0.00001; gnomAD 0.00001.
gnomAD v4.1: 7 of 1,613,976 alleles (0.00043%); highest among the groups gnomAD compares: Non-Finnish European, 0.00059%; no homozygotes.

Submissions (2):

Labcorp Genetics (formerly Invitae), Labcorp
Classification: Uncertain significance. Last evaluated: 2022-11-15. Review status: criteria provided, single submitter. Criteria: Invitae Variant Classification Sherloc (09022015). Collection method: clinical testing. Allele origin: germline.
Comment: This sequence change replaces glycine, which is neutral and non-polar, with arginine, which is basic and polar, at codon 1587 of the KIDINS220 protein (p.Gly1587Arg). This variant is present in population databases (rs750646311, gnomAD 0.0009%). This variant has not been reported in the literature in individuals affected with KIDINS220-related conditions. Algorithms developed to predict the effect of missense changes on protein structure and function are either unavailable or do not agree on the potential impact of this missense change (SIFT: "Tolerated"; PolyPhen-2: "Probably Damaging"; Align-GVGD: "Class C0"). In summary, the available evidence is currently insufficient to determine the role of this variant in disease. Therefore, it has been classified as a Variant of Uncertain Significance.

PreventionGenetics, part of Exact Sciences
Classification: Uncertain significance for KIDINS220-related condition. Last evaluated: 2023-12-12. Review status: no assertion criteria provided. Collection method: clinical testing. Allele origin: germline. Not counted in ClinVar's aggregate classification.
Comment: The KIDINS220 c.4759G>C variant is predicted to result in the amino acid substitution p.Gly1587Arg. To our knowledge, this variant has not been reported in the literature. This variant is reported in 0.00088% of alleles in individuals of European (Non-Finnish) descent in gnomAD. At this time, the clinical significance of this variant is uncertain due to the absence of conclusive functional and genetic evidence.